The following is an entry in ClinVar:

ClinVar aggregate classification (germline): Pathogenic (1 of 4 stars; one submission).

Conditions:
Primary ciliary dyskinesia 28. Also called: CILIARY DYSKINESIA, PRIMARY, 28, WITH OR WITHOUT SITUS INVERSUS. Identifiers: Orphanet 244, MedGen C3809706, MONDO:0014216, OMIM 615505.

Submission:

Labcorp Genetics (formerly Invitae), Labcorp
Classification: Pathogenic for Primary ciliary dyskinesia 28. Last evaluated: 2025-06-15. Review status: criteria provided, single submitter. Criteria: Invitae Variant Classification Sherloc (09022015). Collection method: clinical testing. Allele origin: germline.
Comment: This sequence change creates a premature translational stop signal (p.Phe87Leufs*13) in the SPAG1 gene. It is expected to result in an absent or disrupted protein product. Loss-of-function variants in SPAG1 are known to be pathogenic (PMID: 24055112). This variant is not present in population databases (gnomAD no frequency). This variant has not been reported in the literature in individuals affected with SPAG1-related conditions. For these reasons, this variant has been classified as Pathogenic.

Literature cited by the submitters: PubMed 24055112.

NM_003114.5(SPAG1):c.261del (p.Phe87fs)

Gene: SPAG1 (sperm associated antigen 1; plus strand). Cytogenetic location: 8q22.2.
Variant type: Deletion.
Coding change: c.261del on transcript NM_003114.5 (MANE Select); coding-DNA position 261, one base deleted (T; older notation c.261delT).
Protein change: p.Phe87fs; shifts the reading frame from phenylalanine 87.
Molecular consequence: frameshift variant.
Genome position (GRCh38, 1-based): chr8:100,165,934, T deleted; the last of 4 consecutive T bases (chr8:100,165,931-100,165,934); deleting any one gives the same sequence. VCF-style (leftmost placement, unchanged base first): chr8-100165930-GT-G. GRCh37 (hg19) VCF-style: chr8-101178158-GT-G.
Other names: c.261del, p.Phe87fs (NM_001374321.1, NM_172218.3); short protein forms F87fs.
Identifiers: ClinVar variation 4750268 (VCV004750268.1).
Genomic context (GRCh38, chr8:100,165,930, plus strand): 5'-AAGCCTTGGCCCCTGAAAGCAGAGCTTTGAGGAAAGATAAACCAGCAGCAACAGCAGCCA[GT>G]TTTACAGCTGAAGAATGGGAAAAAATTGATGGTGATATAAAGGTATATAGTAATACCAAT-3'